The following is an entry in ClinVar:

ClinVar aggregate classification (germline): Uncertain significance. Review status: criteria provided, multiple submitters, no conflicts (2 of 4 stars). 3 submissions from 3 submitters: Uncertain significance (3). Last evaluated 2022-09-01.

Conditions:
Autosomal recessive ataxia, Beauce type. Also called: SYNE1 Deficiency; Spinocerebellar ataxia, autosomal recessive 8; SYNE1-Related Autosomal Recessive Cerebellar Ataxia; ATAXIA, RECESSIVE, OF BEAUCE. Identifiers: Orphanet 88644, MedGen C1853116, MONDO:0012549, OMIM 610743.
Emery-Dreifuss muscular dystrophy 4, autosomal dominant (EDMD4). Also called: EMERY-DREIFUSS MUSCULAR DYSTROPHY 4 WITH VARIABLE FEATURES. Identifiers: Orphanet 261, MedGen C2751807, MONDO:0013071, OMIM 612998.

Allele frequency attached by ClinVar (database versions not stated): ExAC 0.00003; gnomAD exomes 0.00004; TOPMed 0.00005; gnomAD 0.00007.
gnomAD v4.1: 67 of 1,613,850 alleles (0.0042%); highest among the groups gnomAD compares: Non-Finnish European, 0.0052%; no homozygotes.

Submissions (3):

Labcorp Genetics (formerly Invitae), Labcorp
Classification: Uncertain significance for Emery-Dreifuss muscular dystrophy 4, autosomal dominant; Autosomal recessive ataxia, Beauce type. Last evaluated: 2022-09-01. Review status: criteria provided, single submitter. Criteria: Invitae Variant Classification Sherloc (09022015). Collection method: clinical testing. Allele origin: germline.
Comment: This sequence change replaces arginine, which is basic and polar, with glutamine, which is neutral and polar, at codon 6404 of the SYNE1 protein (p.Arg6404Gln). This variant is present in population databases (rs781427258, gnomAD 0.02%). This variant has not been reported in the literature in individuals affected with SYNE1-related conditions. ClinVar contains an entry for this variant (Variation ID: 193773). Algorithms developed to predict the effect of missense changes on protein structure and function (SIFT, PolyPhen-2, Align-GVGD) all suggest that this variant is likely to be disruptive. In summary, the available evidence is currently insufficient to determine the role of this variant in disease. Therefore, it has been classified as a Variant of Uncertain Significance.

Revvity Omics, Revvity
Classification: Uncertain significance. Last evaluated: 2022-06-29. Review status: criteria provided, single submitter. Criteria: ACMG Guidelines, 2015. Collection method: clinical testing. Allele origin: germline.

Eurofins Ntd Llc (ga)
Classification: Uncertain significance. Last evaluated: 2018-09-11. Review status: criteria provided, single submitter. Criteria: EGL ClinVar v180209 classification definitions. Collection method: clinical testing. Allele origin: germline. Observed: 2 variant alleles, 2 heterozygotes.

NM_182961.4(SYNE1):c.19424G>A (p.Arg6475Gln)

Gene: SYNE1 (spectrin repeat containing nuclear envelope protein 1; minus strand). Cytogenetic location: 6q25.2.
Variant type: single nucleotide variant.
Coding change: c.19424G>A on transcript NM_182961.4 (MANE Select); coding-DNA position 19424, G replaced by A.
Protein change: p.Arg6475Gln; replaces arginine 6475 with glutamine.
Molecular consequence: missense variant.
Genome position (GRCh38, 1-based): chr6:152,254,926, C>T on the plus strand (G>A on the coding strand, the complement: SYNE1 is on the minus strand). VCF-style: chr6-152254926-C-T. GRCh37 (hg19) VCF-style: chr6-152576061-C-T.
Other names: c.19211G>A, p.Arg6404Gln (NM_033071.5); short protein forms R6404Q, R6475Q.
Identifiers: ClinVar variation 193773 (VCV000193773.17), dbSNP rs781427258, ClinGen allele CA239413.